The following is an entry in ClinVar:

NM_000393.5(COL5A2):c.186T>C (p.Cys62=)

Gene: COL5A2 (collagen type V alpha 2 chain; minus strand). Cytogenetic location: 2q32.2.
Variant type: single nucleotide variant.
Coding change: c.186T>C on transcript NM_000393.5 (MANE Select); coding-DNA position 186, T replaced by C.
Protein change: p.Cys62=; no amino-acid change (cysteine 62 retained).
Molecular consequence: synonymous variant.
Genome position (GRCh38, 1-based): chr2:189,110,361, A>G on the plus strand (T>C on the coding strand, the complement: COL5A2 is on the minus strand). VCF-style: chr2-189110361-A-G. GRCh37 (hg19) VCF-style: chr2-189975087-A-G.
Other names: p.Cys62=.
Identifiers: ClinVar variation 379901 (VCV000379901.24), dbSNP rs142832916, ClinGen allele CA2023179.

ClinVar aggregate classification (germline): Benign/Likely benign. Review status: criteria provided, multiple submitters, no conflicts (2 of 4 stars). 8 submissions from 8 submitters: Benign (3); Likely benign (5). Last evaluated 2026-01-27.

Conditions:
Familial thoracic aortic aneurysm and aortic dissection (TAAD). Also called: Thoracic aortic aneurysms and dissections. Identifiers: Orphanet 91387, MedGen C4707243, MONDO:0019625.
Ehlers-Danlos syndrome (EDS). Identifiers: Orphanet 98249, MedGen C0013720, MONDO:0020066.
Ehlers-Danlos syndrome, classic type, 1 (EDSCL1). Also called: EHLERS-DANLOS SYNDROME, GRAVIS TYPE; EHLERS-DANLOS SYNDROME, SEVERE CLASSIC TYPE; Ehlers-Danlos syndrome, type 1; Ehlers-Danlos Syndrome, Classic Type, COL5A1-Related; EDS I. Identifiers: MedGen C0268335, MONDO:0019567, OMIM 130000.

Allele frequency attached by ClinVar (database versions not stated): gnomAD exomes 0.00010 and 0.00018; ExAC 0.00021; gnomAD 0.00060 and 0.00066; ESP Exome Variant Server 0.00077; TOPMed 0.00078.
gnomAD v4.1: 238 of 1,614,160 alleles (0.015%); highest among the groups gnomAD compares: African/African-American, 0.2%; no homozygotes.

Submissions (8):

Labcorp Genetics (formerly Invitae), Labcorp
Classification: Benign for Ehlers-Danlos syndrome, classic type, 1. Last evaluated: 2026-01-27. Review status: criteria provided, single submitter. Criteria: Invitae Variant Classification Sherloc (09022015). Collection method: clinical testing. Allele origin: germline.

Mayo Clinic Laboratories, Mayo Clinic
Classification: Likely benign. Last evaluated: 2025-07-30. Review status: criteria provided, single submitter. Criteria: ACMG Guidelines, 2015. Collection method: clinical testing. Allele origin: germline. Observed: 2 variant alleles.
Comment: BS1, BP4, BP7

Women's Health and Genetics/Laboratory Corporation of America, LabCorp
Classification: Benign. Last evaluated: 2025-03-31. Review status: criteria provided, single submitter. Criteria: LabCorp Variant Classification Summary - May 2015. Collection method: clinical testing. Allele origin: germline.

Blueprint Genetics
Classification: Likely benign. Last evaluated: 2024-05-02. Review status: criteria provided, single submitter. Criteria: ACMG Guidelines, 2015. Collection method: clinical testing. Allele origin: germline.

Ambry Genetics
Classification: Likely benign for Familial thoracic aortic aneurysm and aortic dissection. Last evaluated: 2022-05-20. Review status: criteria provided, single submitter. Criteria: Ambry Variant Classification Scheme 2023. Collection method: clinical testing. Allele origin: germline.

Genome Diagnostics Laboratory, The Hospital for Sick Children
Classification: Benign for Ehlers-Danlos syndrome. Last evaluated: 2020-04-01. Review status: criteria provided, single submitter. Criteria: ACMG Guidelines, 2015. Collection method: clinical testing. Allele origin: germline.

GeneDx
Classification: Likely benign. Last evaluated: 2020-02-20. Review status: criteria provided, single submitter. Criteria: GeneDx Variant Classification Process June 2021. Collection method: clinical testing. Allele origin: germline. Affected: yes.

Breakthrough Genomics
Classification: Likely benign. Review status: criteria provided, single submitter. Criteria: ACMG Guidelines, 2015. Collection method: not provided. Allele origin: germline. Inheritance: Autosomal dominant inheritance. Affected: yes.